The following is an entry in ClinVar:

ClinVar aggregate classification (germline): Uncertain significance (1 of 4 stars; one submission).

Conditions:
Pitt-Hopkins-like syndrome 2 (PTHSL2). Identifiers: Orphanet 221150, Orphanet 600663, MedGen C3280479, MONDO:0013690, OMIM 614325.

gnomAD v4.1: 2 of 1,511,466 alleles (0.00013%); highest among the groups gnomAD compares: South Asian, 0.0013%; no homozygotes.

Submission:

Labcorp Genetics (formerly Invitae), Labcorp
Classification: Uncertain significance for Pitt-Hopkins-like syndrome 2. Last evaluated: 2024-12-18. Review status: criteria provided, single submitter. Criteria: Invitae Variant Classification Sherloc (09022015). Collection method: clinical testing. Allele origin: germline.
Comment: This sequence change replaces glutamic acid, which is acidic and polar, with glutamine, which is neutral and polar, at codon 32 of the NRXN1 protein (p.Glu32Gln). This variant is not present in population databases (gnomAD no frequency). This variant has not been reported in the literature in individuals affected with NRXN1-related conditions. An algorithm developed to predict the effect of missense changes on protein structure and function (PolyPhen-2) suggests that this variant is likely to be disruptive. In summary, the available evidence is currently insufficient to determine the role of this variant in disease. Therefore, it has been classified as a Variant of Uncertain Significance.

NM_001330078.2(NRXN1):c.94G>C (p.Glu32Gln)

Gene: NRXN1 (neurexin 1; minus strand). Cytogenetic location: 2p16.3.
Variant type: single nucleotide variant.
Coding change: c.94G>C on transcript NM_001330078.2 (MANE Select); coding-DNA position 94, G replaced by C.
Protein change: p.Glu32Gln; replaces glutamic acid 32 with glutamine.
Molecular consequence: missense variant.
Genome position (GRCh38, 1-based): chr2:51,028,180, C>G on the plus strand (G>C on the coding strand, the complement: NRXN1 is on the minus strand). VCF-style: chr2-51028180-C-G. GRCh37 (hg19) VCF-style: chr2-51255318-C-G.
Other names: c.94G>C, p.Glu32Gln (NM_001330085.2, NM_001330086.2, NM_001330087.2 and 15 more transcripts); short protein forms E32Q.
Identifiers: ClinVar variation 3723218 (VCV003723218.2).
Genomic context (GRCh38, chr2:51,028,180, plus strand): 5'-TCTCGCAGCAGGCGTTCCACTTGGGGAAGCGCGTCCATTGGCCCTCGGCGCCCGGAAACT[C>G]CAGCCCGCTGCCCAGCTCCGCCCAGCAGCCCAGGAGCAGCAGCGAGAGGCACAGAAGAAA-3'
Protein context (NP_001317007.1, residues 22-42): GCWAELGSGL[Glu32Gln]FPGAEGQWTR